The following is an entry in ClinVar:

ClinVar aggregate classification (germline): Pathogenic/Likely pathogenic. Review status: criteria provided, multiple submitters, no conflicts (2 of 4 stars). 2 submissions from 2 submitters: Pathogenic (1); Likely pathogenic (1). Last evaluated 2025-05-17.

Conditions:
Neuronal ceroid lipofuscinosis 2. Also called: JANSKY-BIELSCHOWSKY DISEASE NEURONAL CEROID LIPOFUSCINOSIS, LATE INFANTILE; TPP1-Related Neuronal Ceroid-Lipofuscinosis. Identifiers: Orphanet 168491, Orphanet 228349, Orphanet 79264, MedGen C1876161, MONDO:0008769, OMIM 204500.

Submissions (2):

Natera, Inc.
Classification: Likely pathogenic for Neuronal ceroid lipofuscinosis 2. Last evaluated: 2025-05-17. Review status: criteria provided, single submitter. Criteria: Natera Variant Classification Schema (03/2026). Collection method: clinical testing. Allele origin: germline.
Comment: The c.1363_1425+9del variant in TPP1 is a deletion affecting a canonical splice donor site. This variant is expected to result in nonsense mediated decay, truncation, or a dysfunctional protein product. This variant is rare in the general population with a frequency below the threshold expected for the associated phenotype(s). Given the available evidence, this variant is classified as Likely Pathogenic.

Labcorp Genetics (formerly Invitae), Labcorp
Classification: Pathogenic. Last evaluated: 2021-10-16. Review status: criteria provided, single submitter. Criteria: Invitae Variant Classification Sherloc (09022015). Collection method: clinical testing. Allele origin: germline.
Comment: This variant results in the deletion of part of exon 11 of the TPP1 gene. It is expected to disrupt RNA splicing. Variants that disrupt the donor or acceptor splice site typically lead to a loss of protein function (PMID: 16199547), and loss-of-function variants in TPP1 are known to be pathogenic (PMID: 10330339). This variant is not present in population databases (ExAC no frequency). This variant has not been reported in the literature in individuals affected with TPP1-related conditions. Algorithms developed to predict the effect of sequence changes on RNA splicing suggest that this variant may disrupt the consensus splice site. This variant disrupts a region of the TPP1 protein in which other variant(s) (p.Gly473Arg) have been determined to be pathogenic (PMID: 11241479, 11339651). This suggests that this is a clinically significant region of the protein, and that variants that disrupt it are likely to be disease-causing. For these reasons, this variant has been classified as Pathogenic.

Literature cited by the submitters: PubMed 16199547 (cited by Labcorp Genetics (formerly Invitae), Labcorp); PubMed 10330339 (cited by Labcorp Genetics (formerly Invitae), Labcorp); PubMed 11241479 (cited by Labcorp Genetics (formerly Invitae), Labcorp); PubMed 11339651 (cited by Labcorp Genetics (formerly Invitae), Labcorp).

NM_000391.4(TPP1):c.1363_1425+9del

Gene: TPP1 (tripeptidyl peptidase 1; minus strand). Cytogenetic location: 11p15.4.
Variant type: Deletion.
Coding change: c.1363_1425+9del on transcript NM_000391.4 (MANE Select); coding-DNA position 1363 through 9 bases into the intron after coding-DNA position 1425, 72 bases deleted.
Molecular consequence: splice donor variant.
Genome position (GRCh38, 1-based): chr11:6,615,162-6,615,233, 72 bases deleted. GRCh37 (hg19): chr11:6,636,393-6,636,464.
Other names: c.1363_1425+9del (NM_000391.3).
Identifiers: ClinVar variation 1380369 (VCV001380369.8), dbSNP rs2134591509, ClinGen allele CA2573147186.